The following is an entry in ClinVar:

NM_001297.5(CNGB1):c.2296T>C (p.Cys766Arg)

Gene: CNGB1 (cyclic nucleotide gated channel subunit beta 1; minus strand). Cytogenetic location: 16q21.
Variant type: single nucleotide variant.
Coding change: c.2296T>C on transcript NM_001297.5 (MANE Select); coding-DNA position 2296, T replaced by C.
Protein change: p.Cys766Arg; replaces cysteine 766 with arginine.
Molecular consequence: missense variant.
Genome position (GRCh38, 1-based): chr16:57,915,257, A>G on the plus strand (T>C on the coding strand, the complement: CNGB1 is on the minus strand). VCF-style: chr16-57915257-A-G. GRCh37 (hg19) VCF-style: chr16-57949161-A-G.
Other names: c.2278T>C, p.Cys760Arg (NM_001286130.2); short protein forms C760R, C766R.
Identifiers: ClinVar variation 1025237 (VCV001025237.10), dbSNP rs773682702, ClinGen allele CA8083078.

ClinVar aggregate classification (germline): Uncertain significance. Review status: criteria provided, multiple submitters, no conflicts (2 of 4 stars). 2 submissions from 2 submitters: Uncertain significance (2). Last evaluated 2025-04-30.

Allele frequency attached by ClinVar (database versions not stated): gnomAD exomes below 0.00001 and 0.00001; ExAC 0.00001.
gnomAD v4.1: 2 of 1,613,684 alleles (0.00012%); highest among the groups gnomAD compares: Non-Finnish European, 0.00017%; no homozygotes.

Submissions (2):

Women's Health and Genetics/Laboratory Corporation of America, LabCorp
Classification: Uncertain significance. Last evaluated: 2025-04-30. Review status: criteria provided, single submitter. Criteria: LabCorp Variant Classification Summary - May 2015. Collection method: clinical testing. Allele origin: germline.
Comment: Variant summary: CNGB1 c.2296T>C (p.Cys766Arg) results in a non-conservative amino acid change in the encoded protein sequence. Four of five in-silico tools predict a damaging effect of the variant on protein function. The variant allele was found at a frequency of 8e-06 in 248912 control chromosomes. c.2296T>C has been observed in individual(s) affected with Retinitis Pigmentosa (Colombo_2021,Colombo_2024, Karali_2022). These data indicate that the variant may be associated with disease. To our knowledge, no experimental evidence demonstrating an impact on protein function has been reported. The following publications have been ascertained in the context of this evaluation (PMID: 33576794, 38705136, 36460718). ClinVar contains an entry for this variant (Variation ID: 1025237). Based on the evidence outlined above, the variant was classified as VUS-possibly pathogenic.

Labcorp Genetics (formerly Invitae), Labcorp
Classification: Uncertain significance. Last evaluated: 2020-10-19. Review status: criteria provided, single submitter. Criteria: Invitae Variant Classification Sherloc (09022015). Collection method: clinical testing. Allele origin: germline.
Comment: This sequence change replaces cysteine with arginine at codon 766 of the CNGB1 protein (p.Cys766Arg). The cysteine residue is moderately conserved and there is a large physicochemical difference between cysteine and arginine. This variant is present in population databases (rs773682702, ExAC 0.002%). This variant has not been reported in the literature in individuals with CNGB1-related conditions. Advanced modeling of protein sequence and biophysical properties (such as structural, functional, and spatial information, amino acid conservation, physicochemical variation, residue mobility, and thermodynamic stability) performed at Invitae indicates that this missense variant is not expected to disrupt CNGB1 protein function. In summary, the available evidence is currently insufficient to determine the role of this variant in disease. Therefore, it has been classified as a Variant of Uncertain Significance.

Literature cited by the submitters: PubMed 33576794 (cited by Women's Health and Genetics/Laboratory Corporation of America, LabCorp); PubMed 36460718 (cited by Women's Health and Genetics/Laboratory Corporation of America, LabCorp); PubMed 38705136 (cited by Women's Health and Genetics/Laboratory Corporation of America, LabCorp).